The following is an entry in ClinVar:

ClinVar aggregate classification (germline): Uncertain significance. Review status: criteria provided, multiple submitters, no conflicts (2 of 4 stars). 6 submissions from 6 submitters: Uncertain significance (5). 1 of the submissions does not count toward it. Last evaluated 2025-11-22.

Conditions:
Cardiovascular phenotype. Identifiers: MedGen CN230736.
Cardiomyopathy (CMYO). Also called: Cardiomyopathies. Identifiers: Orphanet 167848, MedGen C0878544, MONDO:0004994, HP:0001638. Inheritance: Various modes of inheritance.
Becker muscular dystrophy (BMD). Also called: MUSCULAR DYSTROPHY, PSEUDOHYPERTROPHIC PROGRESSIVE, BECKER TYPE; Becker Muscular Dystrophy (BMD). Identifiers: Orphanet 98895, MedGen C0917713, MONDO:0010311, OMIM 300376.
Duchenne muscular dystrophy (DMD). Also called: Duchenne Muscular Dystrophy (DMD); MUSCULAR DYSTROPHY, PSEUDOHYPERTROPHIC PROGRESSIVE, DUCHENNE TYPE. Identifiers: Orphanet 98896, MedGen C0013264, MONDO:0010679, OMIM 310200.
Dystrophin deficiency.
Dilated cardiomyopathy 3B (CMD3B). Also called: CMD3B: DMD-Related Dilated Cardiomyopathy; CARDIOMYOPATHY, DILATED, X-LINKED; DMD-Associated Dilated Cardiomyopathy. Identifiers: Orphanet 154, MedGen C3668940, MONDO:0010542, OMIM 302045.

Allele frequency attached by ClinVar (database versions not stated): TOPMed 0.00004; gnomAD 0.00005 and 0.00003; gnomAD exomes 0.00007 and 0.00003; ESP Exome Variant Server 0.00009; 1000 Genomes Project 0.00026; 1000 Genomes Project 30x 0.00042; ExAC 0.00003.
gnomAD v4.1: 80 of 1,208,716 alleles (0.0066%); highest among the groups gnomAD compares: Non-Finnish European, 0.0087%; no homozygotes.

Submissions (6):

Labcorp Genetics (formerly Invitae), Labcorp
Classification: Uncertain significance for Duchenne muscular dystrophy. Last evaluated: 2025-11-22. Review status: criteria provided, single submitter. Criteria: Invitae Variant Classification Sherloc (09022015). Collection method: clinical testing. Allele origin: germline.
Comment: This sequence change replaces alanine, which is neutral and non-polar, with valine, which is neutral and non-polar, at codon 663 of the DMD protein (p.Ala663Val). This variant is present in population databases (rs41309715, gnomAD 0.009%). This missense change has been observed in individual(s) with clinical features of DMD-related conditions (PMID: 31443951). ClinVar contains an entry for this variant (Variation ID: 283273). Invitae Evidence Modeling of protein sequence and biophysical properties (such as structural, functional, and spatial information, amino acid conservation, physicochemical variation, residue mobility, and thermodynamic stability) indicates that this missense variant is not expected to disrupt DMD protein function with a negative predictive value of 95%. In summary, the available evidence is currently insufficient to determine the role of this variant in disease. Therefore, it has been classified as a Variant of Uncertain Significance.

Ambry Genetics
Classification: Uncertain significance for Cardiovascular phenotype. Last evaluated: 2025-03-14. Review status: criteria provided, single submitter. Criteria: Ambry Variant Classification Scheme 2023. Collection method: clinical testing. Allele origin: germline.
Comment: The p.A663V variant (also known as c.1988C>T), located in coding exon 16 of the DMD gene, results from a C to T substitution at nucleotide position 1988. The alanine at codon 663 is replaced by valine, an amino acid with similar properties. This variant was reported in individual(s) with features consistent with DMD-related dystrophinopathy (Toksoy G et al. Neuromuscul Disord. 2019 Aug;29(8):601-613). This amino acid position is poorly conserved in available vertebrate species. In addition, this alteration is predicted to be tolerated by in silico analysis. Based on data from gnomAD, the T allele has an overall frequency of <0.01% (6/182986) total alleles studied, with 0 hemizygote(s) observed. The highest observed frequency was <0.01% (6/81550) of European (non-Finnish) alleles. Based on the available evidence, the clinical significance of this variant remains unclear.

Fulgent Genetics
Classification: Uncertain significance for Becker muscular dystrophy; Dilated cardiomyopathy 3B; Duchenne muscular dystrophy. Last evaluated: 2021-09-13. Review status: criteria provided, single submitter. Criteria: ACMG Guidelines, 2015. Collection method: clinical testing. Allele origin: unknown.

Revvity Omics, Revvity
Classification: Uncertain significance. Last evaluated: 2019-10-30. Review status: criteria provided, single submitter. Criteria: ACMG Guidelines, 2015. Collection method: clinical testing. Allele origin: germline.

Eurofins Ntd Llc (ga)
Classification: Uncertain significance. Last evaluated: 2015-09-09. Review status: criteria provided, single submitter. Criteria: EGL Classification Definitions 2015. Collection method: clinical testing. Allele origin: germline. Observed: 1 variant allele, 1 heterozygote.

Natera, Inc.
Classification: Uncertain significance for Becker muscular dystrophy; Cardiomyopathy; Duchenne muscular dystrophy; Dystrophin deficiency. Last evaluated: 2018-09-11. Review status: no assertion criteria provided. Collection method: clinical testing. Allele origin: germline. Not counted in ClinVar's aggregate classification.

Literature cited by the submitters: PubMed 31443951 (cited by Labcorp Genetics (formerly Invitae), Labcorp and Ambry Genetics).

NM_004006.3(DMD):c.1988C>T (p.Ala663Val)

Gene: DMD (dystrophin; minus strand). Cytogenetic location: Xp21.1.
Variant type: single nucleotide variant.
Coding change: c.1988C>T on transcript NM_004006.3 (MANE Select); coding-DNA position 1988, C replaced by T.
Protein change: p.Ala663Val; replaces alanine 663 with valine.
Molecular consequence: missense variant.
Genome position (GRCh38, 1-based): chrX:32,565,706, G>A on the plus strand (C>T on the coding strand, the complement: DMD is on the minus strand). VCF-style: chrX-32565706-G-A. GRCh37 (hg19) VCF-style: chrX-32583823-G-A.
Other names: c.1964C>T, p.Ala655Val (NM_000109.4); c.1976C>T, p.Ala659Val (NM_004009.3); c.1619C>T, p.Ala540Val (NM_004010.3); short protein forms A663V, A659V, A655V, A540V.
Identifiers: ClinVar variation 283273 (VCV000283273.17), dbSNP rs41309715, ClinGen allele CA10379675.